The following is an entry in ClinVar:

ClinVar aggregate classification (germline): Conflicting classifications of pathogenicity. Review status: criteria provided, conflicting classifications (1 of 4 stars). 2 submissions from 2 submitters: Likely pathogenic (1); Uncertain significance (1). Last evaluated 2023-11-11.

Conditions:
ATP2C1-related disorder. Also called: ATP2C1-related condition.

Submissions (2):

Labcorp Genetics (formerly Invitae), Labcorp
Classification: Uncertain significance. Last evaluated: 2023-11-11. Review status: criteria provided, single submitter. Criteria: Invitae Variant Classification Sherloc (09022015). Collection method: clinical testing. Allele origin: germline.
Comment: This sequence change replaces cysteine, which is neutral and slightly polar, with tyrosine, which is neutral and polar, at codon 344 of the ATP2C1 protein (p.Cys344Tyr). This variant is not present in population databases (gnomAD no frequency). This variant has not been reported in the literature in individuals affected with ATP2C1-related conditions. Advanced modeling of protein sequence and biophysical properties (such as structural, functional, and spatial information, amino acid conservation, physicochemical variation, residue mobility, and thermodynamic stability) performed at Invitae indicates that this missense variant is expected to disrupt ATP2C1 protein function with a positive predictive value of 80%. Experimental studies are conflicting or provide insufficient evidence to determine the effect of this variant on ATP2C1 function (PMID: 31455819). In summary, the available evidence is currently insufficient to determine the role of this variant in disease. Therefore, it has been classified as a Variant of Uncertain Significance.

Blueprint Genetics
Classification: Likely pathogenic for ATP2C1-related disorders. Last evaluated: 2021-08-13. Review status: criteria provided, single submitter. Criteria: ACMG Guidelines, 2015. Collection method: clinical testing. Allele origin: germline. Affected: yes. Observed: 3 variant alleles.

Literature cited by the submitters: PubMed 31455819 (cited by Labcorp Genetics (formerly Invitae), Labcorp).

NM_001378687.1(ATP2C1):c.1031G>A (p.Cys344Tyr)

Gene: ATP2C1 (ATPase secretory pathway Ca2+ transporting 1; plus strand). Cytogenetic location: 3q22.1.
Variant type: single nucleotide variant.
Coding change: c.1031G>A on transcript NM_001378687.1 (MANE Select); coding-DNA position 1031, G replaced by A.
Protein change: p.Cys344Tyr; replaces cysteine 344 with tyrosine.
Molecular consequence: missense variant.
Genome position (GRCh38, 1-based): chr3:130,964,954, G>A. VCF-style: chr3-130964954-G-A. GRCh37 (hg19) VCF-style: chr3-130683798-G-A.
Other names: c.1031G>A, p.Cys344Tyr (NM_001001485.3, NM_001001486.2, NM_001001487.2 and 5 more transcripts); c.1133G>A, p.Cys378Tyr (NM_001199180.2, NM_001199181.3, NM_001378511.1); c.1016G>A, p.Cys339Tyr (NM_001199182.2); c.983G>A, p.Cys328Tyr (NM_001199183.2, NM_001199184.3, NM_001378514.1); short protein forms C344Y, C378Y, C328Y, C339Y.
Identifiers: ClinVar variation 2734570 (VCV002734570.4), dbSNP rs1284293568, ClinGen allele CA354538012.